The following is an entry in ClinVar:

ClinVar aggregate classification (germline): Uncertain significance (1 of 4 stars; one submission).

Allele frequency attached by ClinVar (database versions not stated): ExAC 0.00001; gnomAD exomes 0.00001; ESP Exome Variant Server 0.00008.

Submission:

Labcorp Genetics (formerly Invitae), Labcorp
Classification: Uncertain significance. Last evaluated: 2025-09-15. Review status: criteria provided, single submitter. Criteria: Invitae Variant Classification Sherloc (09022015). Collection method: clinical testing. Allele origin: germline.
Comment: This sequence change replaces glycine, which is neutral and non-polar, with valine, which is neutral and non-polar, at codon 280 of the RIPK1 protein (p.Gly280Val). This variant is present in population databases (rs371950280, gnomAD 0.007%). This variant has not been reported in the literature in individuals affected with RIPK1-related conditions. ClinVar contains an entry for this variant (Variation ID: 1517181). An algorithm developed to predict the effect of missense changes on protein structure and function (PolyPhen-2) suggests that this variant is likely to be disruptive. Algorithms developed to predict the effect of sequence changes on RNA splicing suggest that this variant may disrupt the consensus splice site. In summary, the available evidence is currently insufficient to determine the role of this variant in disease. Therefore, it has been classified as a Variant of Uncertain Significance.

NM_001354930.2(RIPK1):c.839G>T (p.Gly280Val)

Gene: RIPK1 (receptor interacting serine/threonine kinase 1; plus strand). Cytogenetic location: 6p25.2.
Variant type: single nucleotide variant.
Coding change: c.839G>T on transcript NM_001354930.2 (MANE Select); coding-DNA position 839, G replaced by T.
Protein change: p.Gly280Val; replaces glycine 280 with valine.
Molecular consequence: missense variant.
Genome position (GRCh38, 1-based): chr6:3,089,581, G>T. VCF-style: chr6-3089581-G-T. GRCh37 (hg19) VCF-style: chr6-3089815-G-T.
Other names: c.350G>T, p.Gly117Val (NM_001317061.3, NM_001354932.2, NM_001354933.2 and 1 more transcripts); c.701G>T, p.Gly234Val (NM_001354931.2); c.839G>T, p.Gly280Val (NM_003804.6); short protein forms G280V, G117V, G234V.
Identifiers: ClinVar variation 1517181 (VCV001517181.6), dbSNP rs371950280, ClinGen allele CA3618309.